The following is an entry in ClinVar:

ClinVar aggregate classification (germline): Uncertain significance. Review status: criteria provided, multiple submitters, no conflicts (2 of 4 stars). 3 submissions from 3 submitters: Uncertain significance (3). Last evaluated 2025-01-30.

Conditions:
Central core myopathy (CMYO1A). Also called: CONGENITAL MYOPATHY 1A, AUTOSOMAL DOMINANT, WITH SUSCEPTIBILITY TO MALIGNANT HYPERTHERMIA; Central core disease; Myopathy, central fibrillar. Identifiers: Orphanet 597, MedGen C5830701, MONDO:0007294, OMIM 117000.
King Denborough syndrome (KDS). Identifiers: MedGen C1840365, MONDO:0020485, OMIM 619542.
Malignant hyperthermia, susceptibility to, 1 (MHS1). Also called: Malignant hyperthermia suceptibility 1; RYR1-Related Malignant Hyperthermia Susceptibility; Anesthesia related hyperthermia; Malignant hyperpyrexia; Fulminating hyperpyrexia; Pharmacogenic myopathy. Identifiers: Orphanet 423, MedGen C2930980, MONDO:0007783, OMIM 145600.
Congenital multicore myopathy with external ophthalmoplegia (CMYO1B). Also called: Minicore myopathy with external ophthalmoplegia; MULTIMINICORE DISEASE WITH EXTERNAL OPHTHALMOPLEGIA; Congenital myopathy 1B, autosomal recessive; Minicore myopathy; MULTICORE MYOPATHY. Identifiers: Orphanet 598, Orphanet 98905, MedGen C1850674, MONDO:0009712, OMIM 255320, HP:0003789.
Congenital myopathy with fiber type disproportion. Also called: Congenital fiber-type disproportion; Congenital fiber-type disproportion myopathy. Identifiers: Orphanet 2020, MedGen C0546264, MONDO:0009711. Inheritance: all.
RYR1-related disorder. Also called: RYR1-related disorders; RYR1-related condition. Identifiers: MedGen CN239331.

Allele frequency attached by ClinVar (database versions not stated): gnomAD 0.00002; gnomAD exomes 0.00002 and 0.00004; TOPMed 0.00003.
gnomAD v4.1: 65 of 1,610,494 alleles (0.004%); highest among the groups gnomAD compares: Non-Finnish European, 0.0052%; no homozygotes.

Submissions (3):

Labcorp Genetics (formerly Invitae), Labcorp
Classification: Uncertain significance for RYR1-related disorder. Last evaluated: 2025-01-30. Review status: criteria provided, single submitter. Criteria: Invitae Variant Classification Sherloc (09022015). Collection method: clinical testing. Allele origin: germline.
Comment: This sequence change replaces isoleucine, which is neutral and non-polar, with threonine, which is neutral and polar, at codon 2974 of the RYR1 protein (p.Ile2974Thr). This variant is present in population databases (no rsID available, gnomAD 0.004%). This variant has not been reported in the literature in individuals affected with RYR1-related conditions. ClinVar contains an entry for this variant (Variation ID: 579577). Invitae Evidence Modeling of protein sequence and biophysical properties (such as structural, functional, and spatial information, amino acid conservation, physicochemical variation, residue mobility, and thermodynamic stability) indicates that this missense variant is expected to disrupt RYR1 protein function with a positive predictive value of 80%. In summary, the available evidence is currently insufficient to determine the role of this variant in disease. Therefore, it has been classified as a Variant of Uncertain Significance.

Color Diagnostics, LLC DBA Color Health
Classification: Uncertain significance for Malignant hyperthermia, susceptibility to, 1. Last evaluated: 2024-03-06. Review status: criteria provided, single submitter. Criteria: ACMG Guidelines, 2015. Collection method: clinical testing. Allele origin: germline.
Comment: This missense variant replaces isoleucine with threonine at codon 2974 of the RYR1 protein. Computational prediction is inconclusive regarding the impact of this variant on protein structure and function. To our knowledge, functional studies have not been reported for this variant. This variant has not been reported in individuals affected with RYR1-related disorders in the literature. This variant has been identified in 5/282798 chromosomes in the general population by the Genome Aggregation Database (gnomAD). The available evidence is insufficient to determine the role of this variant in disease conclusively. Therefore, this variant is classified as a Variant of Uncertain Significance.

Fulgent Genetics
Classification: Uncertain significance for Central core myopathy; Malignant hyperthermia, susceptibility to, 1; Congenital myopathy 4A, autosomal dominant; Congenital multicore myopathy with external ophthalmoplegia; King Denborough syndrome. Last evaluated: 2021-09-29. Review status: criteria provided, single submitter. Criteria: ACMG Guidelines, 2015. Collection method: clinical testing. Allele origin: unknown.

NM_000540.3(RYR1):c.8921T>C (p.Ile2974Thr)

Gene: RYR1 (ryanodine receptor 1; plus strand). Cytogenetic location: 19q13.2.
Variant type: single nucleotide variant.
Coding change: c.8921T>C on transcript NM_000540.3 (MANE Select); coding-DNA position 8921, T replaced by C.
Protein change: p.Ile2974Thr; replaces isoleucine 2974 with threonine.
Molecular consequence: missense variant.
Genome position (GRCh38, 1-based): chr19:38,507,816, T>C. VCF-style: chr19-38507816-T-C. GRCh37 (hg19) VCF-style: chr19-38998456-T-C.
Other names: c.8921T>C, p.Ile2974Thr (NM_001042723.2); short protein forms I2974T.
Identifiers: ClinVar variation 579577 (VCV000579577.8), dbSNP rs1020896447, ClinGen allele CA308119877.
Genomic context (GRCh38, chr19:38,507,816, plus strand): 5'-GGTTTGCCTTTGGCTTCCTGCAGCAGCTGCTGCGCTGGATGGACATTTCTCAGGAGTTCA[T>C]TGCCCACCTGGGTACGGAGAAATACCCCCCGCTTATGCCCGCCCCACCTGCAGACACCAG-3'
Protein context (NP_000531.2, residues 2964-2984): LRWMDISQEF[Ile2974Thr]AHLEAVVSSG